The following is an entry in ClinVar:

ClinVar aggregate classification (germline): Uncertain significance (1 of 4 stars; one submission).

Allele frequency attached by ClinVar (database versions not stated): gnomAD exomes below 0.00001.
gnomAD v4.1: 1 of 1,613,330 alleles (0.000062%); highest among the groups gnomAD compares: South Asian, 0.0011%; no homozygotes.

Submission:

Labcorp Genetics (formerly Invitae), Labcorp
Classification: Uncertain significance. Last evaluated: 2022-10-20. Review status: criteria provided, single submitter. Criteria: Invitae Variant Classification Sherloc (09022015). Collection method: clinical testing. Allele origin: germline.
Comment: This sequence change falls in intron 1 of the ELOVL4 gene. It does not directly change the encoded amino acid sequence of the ELOVL4 protein. It affects a nucleotide within the consensus splice site. This variant is not present in population databases (gnomAD no frequency). This variant has not been reported in the literature in individuals affected with ELOVL4-related conditions. Variants that disrupt the consensus splice site are a relatively common cause of aberrant splicing (PMID: 17576681, 9536098). Algorithms developed to predict the effect of sequence changes on RNA splicing suggest that this variant is not likely to affect RNA splicing. In summary, the available evidence is currently insufficient to determine the role of this variant in disease. Therefore, it has been classified as a Variant of Uncertain Significance.

Literature cited by the submitters: PubMed 17576681; PubMed 9536098.

NM_022726.4(ELOVL4):c.101-3T>C

Gene: ELOVL4 (ELOVL fatty acid elongase 4; minus strand). Cytogenetic location: 6q14.1.
Variant type: single nucleotide variant.
Coding change: c.101-3T>C on transcript NM_022726.4 (MANE Select); 3 bases into the intron before coding-DNA position 101, T replaced by C.
Molecular consequence: intron variant.
Genome position (GRCh38, 1-based): chr6:79,926,384, A>G on the plus strand (T>C on the coding strand, the complement: ELOVL4 is on the minus strand). VCF-style: chr6-79926384-A-G. GRCh37 (hg19) VCF-style: chr6-80636101-A-G.
Identifiers: ClinVar variation 2036336 (VCV002036336.4), dbSNP rs2532981312, ClinGen allele CA2580075892.